The following is an entry in ClinVar:

ClinVar aggregate classification (germline): Likely benign. Review status: criteria provided, multiple submitters, no conflicts (2 of 4 stars). 4 submissions from 4 submitters: Likely benign (4). Last evaluated 2025-12-16.

Conditions:
Atypical hemolytic-uremic syndrome with C3 anomaly. Also called: AHUS, SUSCEPTIBILITY TO, 5. Identifiers: Orphanet 2134, MedGen C2752037, MONDO:0013043, OMIM 612925.
Complement component 3 deficiency. Identifiers: Orphanet 280133, MedGen C3151071, MONDO:0013417, OMIM 613779.
Age related macular degeneration 9. Identifiers: MedGen C1969651, MONDO:0012659, OMIM 611378.

Allele frequency attached by ClinVar (database versions not stated): gnomAD exomes 0.00010 and 0.00013; ExAC 0.00016; ESP Exome Variant Server 0.00038; gnomAD 0.00040 and 0.00044; TOPMed 0.00051.

Submissions (4):

Labcorp Genetics (formerly Invitae), Labcorp
Classification: Likely benign. Last evaluated: 2025-12-16. Review status: criteria provided, single submitter. Criteria: Invitae Variant Classification Sherloc (09022015). Collection method: clinical testing. Allele origin: germline.

Mayo Clinic Laboratories, Mayo Clinic
Classification: Likely benign. Last evaluated: 2025-09-15. Review status: criteria provided, single submitter. Criteria: ACMG Guidelines, 2015. Collection method: clinical testing. Allele origin: germline. Observed: 5 variant alleles.
Comment: BP4, BP7

Blueprint Genetics
Classification: Likely benign. Last evaluated: 2024-09-24. Review status: criteria provided, single submitter. Criteria: ACMG Guidelines, 2015. Collection method: clinical testing. Allele origin: germline.

Fulgent Genetics
Classification: Likely benign for Age related macular degeneration 9; Atypical hemolytic-uremic syndrome with C3 anomaly; Complement component 3 deficiency. Last evaluated: 2021-10-30. Review status: criteria provided, single submitter. Criteria: ACMG Guidelines, 2015. Collection method: clinical testing. Allele origin: unknown.

NM_000064.4(C3):c.1449C>T (p.His483=)

Gene: C3 (complement C3; minus strand). Cytogenetic location: 19p13.3.
Variant type: single nucleotide variant.
Coding change: c.1449C>T on transcript NM_000064.4 (MANE Select); coding-DNA position 1449, C replaced by T.
Protein change: p.His483=; no amino-acid change (histidine 483 retained).
Molecular consequence: synonymous variant.
Genome position (GRCh38, 1-based): chr19:6,711,017, G>A on the plus strand (C>T on the coding strand, the complement: C3 is on the minus strand). VCF-style: chr19-6711017-G-A. GRCh37 (hg19) VCF-style: chr19-6711028-G-A.
Other names: p.His483=.
Identifiers: ClinVar variation 756118 (VCV000756118.11), dbSNP rs140133060, ClinGen allele CA9129454.